The following is an entry in ClinVar:

ClinVar aggregate classification (germline): Uncertain significance (1 of 4 stars; one submission).

Conditions:
H syndrome. Also called: HISTIOCYTOSIS AND LYMPHADENOPATHY WITH OR WITHOUT CUTANEOUS, CARDIAC, AND/OR ENDOCRINE FEATURES, JOINT CONTRACTURES, AND/OR DEAFNESS; HYPERPIGMENTATION, CUTANEOUS, WITH HYPERTRICHOSIS, HEPATOSPLENOMEGALY, HEART ANOMALIES, AND HYPOGONADISM WITH OR WITHOUT HEARING LOSS; PIGMENTED HYPERTRICHOSIS WITH INSULIN-DEPENDENT DIABETES MELLITUS; ROSAI-DORFMAN DISEASE, FAMILIAL; SINUS HISTIOCYTOSIS AND MASSIVE LYMPHADENOPATHY; Hyperpigmentation, Cutaneous, with Hypertrichosis, Hepatosplenomegaly, Heart Anomalies, Hearing Loss, and Hypogonadism. Identifiers: Orphanet 168569, MedGen C1864445, MONDO:0011273, OMIM 602782.

Submission:

Labcorp Genetics (formerly Invitae), Labcorp
Classification: Uncertain significance for H syndrome. Last evaluated: 2022-05-20. Review status: criteria provided, single submitter. Criteria: Invitae Variant Classification Sherloc (09022015). Collection method: clinical testing. Allele origin: germline.
Comment: This sequence change replaces arginine, which is basic and polar, with glycine, which is neutral and non-polar, at codon 227 of the SLC29A3 protein (p.Arg227Gly). This variant is not present in population databases (gnomAD no frequency). This variant has not been reported in the literature in individuals affected with SLC29A3-related conditions. Algorithms developed to predict the effect of missense changes on protein structure and function (SIFT, PolyPhen-2, Align-GVGD) all suggest that this variant is likely to be tolerated. In summary, the available evidence is currently insufficient to determine the role of this variant in disease. Therefore, it has been classified as a Variant of Uncertain Significance.

NM_018344.6(SLC29A3):c.679A>G (p.Arg227Gly)

Gene: SLC29A3 (solute carrier family 29 member 3; plus strand). Cytogenetic location: 10q22.1.
Variant type: single nucleotide variant.
Coding change: c.679A>G on transcript NM_018344.6 (MANE Select); coding-DNA position 679, A replaced by G.
Protein change: p.Arg227Gly; replaces arginine 227 with glycine.
Molecular consequence: missense variant. On other transcripts: non-coding transcript variant (2).
Genome position (GRCh38, 1-based): chr10:71,356,149, A>G. VCF-style: chr10-71356149-A-G. GRCh37 (hg19) VCF-style: chr10-73115906-A-G.
Other names: c.679A>G, p.Arg227Gly (NM_001174098.2); c.445A>G, p.Arg149Gly (NM_001363518.2); short protein forms R149G, R227G.
Identifiers: ClinVar variation 1996706 (VCV001996706.1), dbSNP rs2492485074, ClinGen allele CA377111347.